The following is an entry in ClinVar:

ClinVar aggregate classification (germline): Uncertain significance. Review status: criteria provided, multiple submitters, no conflicts (2 of 4 stars). 2 submissions from 2 submitters: Uncertain significance (2). Last evaluated 2025-07-30.

Conditions:
Gastrointestinal stromal tumor. Also called: Gastrointestinal stromal tumor, somatic; Gastrointestinal stroma tumor. Identifiers: Orphanet 44890, MedGen C0238198, MeSH D046152, MONDO:0011719, OMIM 606764, HP:0100723.
Hereditary cancer-predisposing syndrome. Also called: Hereditary neoplastic syndrome; Neoplastic Syndromes, Hereditary; Hereditary Cancer Syndrome; Tumor predisposition. Identifiers: Orphanet 140162, MedGen C0027672, MeSH D009386, MONDO:0015356.

Submissions (2):

Labcorp Genetics (formerly Invitae), Labcorp
Classification: Uncertain significance for Gastrointestinal stromal tumor. Last evaluated: 2025-07-30. Review status: criteria provided, single submitter. Criteria: Invitae Variant Classification Sherloc (09022015). Collection method: clinical testing. Allele origin: germline.
Comment: This sequence change replaces asparagine, which is neutral and polar, with serine, which is neutral and polar, at codon 907 of the PDGFRA protein (p.Asn907Ser). This variant is not present in population databases (gnomAD no frequency). This variant has not been reported in the literature in individuals affected with PDGFRA-related conditions. ClinVar contains an entry for this variant (Variation ID: 567903). Invitae Evidence Modeling of protein sequence and biophysical properties (such as structural, functional, and spatial information, amino acid conservation, physicochemical variation, residue mobility, and thermodynamic stability) indicates that this missense variant is not expected to disrupt PDGFRA protein function with a negative predictive value of 80%. In summary, the available evidence is currently insufficient to determine the role of this variant in disease. Therefore, it has been classified as a Variant of Uncertain Significance.

Ambry Genetics
Classification: Uncertain significance for Hereditary cancer-predisposing syndrome. Last evaluated: 2024-11-02. Review status: criteria provided, single submitter. Criteria: Ambry Variant Classification Scheme 2023. Collection method: clinical testing. Allele origin: germline.
Comment: The p.N907S variant (also known as c.2720A>G), located in coding exon 19 of the PDGFRA gene, results from an A to G substitution at nucleotide position 2720. The asparagine at codon 907 is replaced by serine, an amino acid with highly similar properties. This amino acid position is well conserved in available vertebrate species. In addition, this alteration is predicted to be tolerated by in silico analysis. Since supporting evidence is limited at this time, the clinical significance of this alteration remains unclear.

NM_006206.6(PDGFRA):c.2720A>G (p.Asn907Ser)

Gene: PDGFRA (platelet derived growth factor receptor alpha; plus strand). Cytogenetic location: 4q12.
Variant type: single nucleotide variant.
Coding change: c.2720A>G on transcript NM_006206.6 (MANE Select); coding-DNA position 2720, A replaced by G.
Protein change: p.Asn907Ser; replaces asparagine 907 with serine.
Molecular consequence: missense variant.
Genome position (GRCh38, 1-based): chr4:54,288,844, A>G. VCF-style: chr4-54288844-A-G. GRCh37 (hg19) VCF-style: chr4-55155011-A-G.
Other names: c.2795A>G, p.Asn932Ser (NM_001347828.2); c.2720A>G, p.Asn907Ser (NM_001347829.2); c.2759A>G, p.Asn920Ser (NM_001347830.2); short protein forms N907S, N920S, N932S.
Identifiers: ClinVar variation 567903 (VCV000567903.11), dbSNP rs1560491697, ClinGen allele CA356895500.